The following is an entry in ClinVar:

NM_000382.3(ALDH3A2):c.1270C>T (p.Pro424Ser)

Gene: ALDH3A2 (aldehyde dehydrogenase 3 family member A2; plus strand). Cytogenetic location: 17p11.2.
Variant type: single nucleotide variant.
Coding change: c.1270C>T on transcript NM_000382.3 (MANE Select); coding-DNA position 1270, C replaced by T.
Protein change: p.Pro424Ser; replaces proline 424 with serine.
Molecular consequence: missense variant. On other transcripts: intron variant (1).
Genome position (GRCh38, 1-based): chr17:19,671,783, C>T. VCF-style: chr17-19671783-C-T. GRCh37 (hg19) VCF-style: chr17-19575096-C-T.
Other names: c.1270C>T, p.Pro424Ser (NM_001031806.2, NM_001369136.1, NM_001369137.2 and 2 more transcripts); c.691C>T, p.Pro231Ser (NM_001369148.2); c.1208-3775C>T (NM_001369146.2); short protein forms P424S, P231S.
Identifiers: ClinVar variation 283733 (VCV000283733.66), dbSNP rs61737992, ClinGen allele CA8443058.

ClinVar aggregate classification (germline): Benign/Likely benign. Review status: criteria provided, multiple submitters, no conflicts (2 of 4 stars). 11 submissions from 11 submitters: Benign (2); Likely benign (5). 4 of the submissions do not count toward it. Last evaluated 2026-09-01.

Conditions:
ALDH3A2-related disorder. Also called: ALDH3A2-related condition.
Sjögren-Larsson syndrome (SLS). Also called: FALDH DEFICIENCY; FATTY ALCOHOL:NAD+ OXIDOREDUCTASE DEFICIENCY; FATTY ALDEHYDE DEHYDROGENASE DEFICIENCY; ICHTHYOSIS, SPASTIC NEUROLOGIC DISORDER, AND OLIGOPHRENIA. Identifiers: Orphanet 816, MedGen C0037231, MONDO:0010031, OMIM 270200.

Allele frequency attached by ClinVar (database versions not stated): 1000 Genomes Project 0.00240; 1000 Genomes Project 30x 0.00281; TOPMed 0.00410; gnomAD 0.00414 and 0.00419; gnomAD exomes 0.00427 and 0.00504; ExAC 0.00454; ESP Exome Variant Server 0.00461.
gnomAD v4.1: 7,964 of 1,614,146 alleles (0.49%); highest among the groups gnomAD compares: Non-Finnish European, 0.58%; 24 homozygotes.

Submissions (11):

CeGaT Center for Human Genetics Tuebingen
Classification: Likely benign. Last evaluated: 2026-09-01. Review status: criteria provided, single submitter. Criteria: CeGaT Center For Human Genetics Tuebingen Variant Classification Criteria Version 2. Collection method: clinical testing. Allele origin: germline. Affected: yes. Observed: 22 variant alleles.
Comment: ALDH3A2: BP4, BS2

Labcorp Genetics (formerly Invitae), Labcorp
Classification: Benign. Last evaluated: 2026-01-28. Review status: criteria provided, single submitter. Criteria: Invitae Variant Classification Sherloc (09022015). Collection method: clinical testing. Allele origin: germline.

Women's Health and Genetics/Laboratory Corporation of America, LabCorp
Classification: Benign. Last evaluated: 2022-05-04. Review status: criteria provided, single submitter. Criteria: LabCorp Variant Classification Summary - May 2015. Collection method: clinical testing. Allele origin: germline.
Comment: Variant summary: ALDH3A2 c.1270C>T (p.Pro424Ser) results in a non-conservative amino acid change located in the Aldehyde dehydrogenase domain (IPR015590) of the encoded protein sequence. Three of four in-silico tools predict a benign effect of the variant on protein function. The variant allele was found at a frequency of 0.0043 in 251464 control chromosomes, predominantly at a frequency of 0.0065 within the Non-Finnish European subpopulation in the gnomAD database, including 6 homozygotes. The observed variant frequency within Non-Finnish European control individuals in the gnomAD database is approximately 4 fold of the estimated maximal expected allele frequency for a pathogenic variant in ALDH3A2 causing Sjogren-Larsson Syndrome phenotype (0.0018), strongly suggesting that the variant is a benign polymorphism found primarily in populations of Non-Finnish European origin. To our knowledge, no experimental evidence demonstrating its impact on protein function have been reported. Seven ClinVar submitters (evaluation after 2014) cite the variant as benign (n=2) and likely benign (n=5). Based on the evidence outlined above, the variant was classified as benign.

Illumina Laboratory Services, Illumina
Classification: Likely benign for Sjögren-Larsson syndrome. Last evaluated: 2018-01-13. Review status: criteria provided, single submitter. Criteria: ICSL Variant Classification Criteria 13 December 2019. Collection method: clinical testing. Allele origin: germline.
Comment: This variant was observed in the ICSL laboratory as part of a predisposition screen in an ostensibly healthy population. It had not been previously curated by ICSL or reported in the Human Gene Mutation Database (HGMD: prior to June 1st, 2018), and was therefore a candidate for classification through an automated scoring system. Utilizing variant allele frequency, disease prevalence and penetrance estimates, and inheritance mode, an automated score was calculated to assess if this variant is too frequent to cause the disease. Based on the score and internal cut-off values, a variant classified as likely benign is not then subjected to further curation. The score for this variant resulted in a classification of likely benign for this disease.

Eurofins Ntd Llc (ga)
Classification: Likely benign. Last evaluated: 2017-11-30. Review status: criteria provided, single submitter. Criteria: EGL Classification Definitions 2015. Collection method: clinical testing. Allele origin: germline. Observed: 1 variant allele, 1 heterozygote.

Clinical Genetics DNA and cytogenetics Diagnostics Lab, Erasmus MC, Erasmus Medical Center
Classification: Likely benign for Sjögren-Larsson syndrome. Last evaluated: 2016-03-17. Review status: criteria provided, single submitter. Criteria: ACGS Guidelines, 2013. Collection method: clinical testing. Allele origin: germline. Affected: yes. Study: VKGL Data-share Consensus.

Breakthrough Genomics
Classification: Likely benign. Review status: criteria provided, single submitter. Criteria: ACMG Guidelines, 2015. Collection method: not provided. Allele origin: germline. Inheritance: Autosomal recessive inheritance. Affected: yes.

PreventionGenetics, part of Exact Sciences
Classification: Likely benign for ALDH3A2-related condition. Last evaluated: 2021-06-04. Review status: no assertion criteria provided. Collection method: clinical testing. Allele origin: germline. Not counted in ClinVar's aggregate classification.
Comment: This variant is classified as likely benign based on ACMG/AMP sequence variant interpretation guidelines (Richards et al. 2015 PMID: 25741868, with internal and published modifications).

Natera, Inc.
Classification: Benign for SjÃ¶gren-Larsson syndrome. Last evaluated: 2020-01-04. Review status: no assertion criteria provided. Collection method: clinical testing. Allele origin: germline. Not counted in ClinVar's aggregate classification.

Mayo Clinic Laboratories, Mayo Clinic
Classification: Likely benign. Last evaluated: 2016-02-24. Review status: no assertion criteria provided. Collection method: clinical testing. Allele origin: unknown. Not counted in ClinVar's aggregate classification.

Diagnostic Laboratory, Department of Genetics, University Medical Center Groningen
Classification: Likely benign for Sjögren-Larsson syndrome. Review status: no assertion criteria provided. Collection method: clinical testing. Allele origin: germline. Affected: yes. Study: VKGL Data-share Consensus. Not counted in ClinVar's aggregate classification.